The following is an entry in ClinVar:

Single allele

Variant type: Deletion.
Identifiers: ClinVar variation 157086 (VCV000157086.2).

ClinVar aggregate classification (germline): not provided (0 of 4 stars; one submission).

Conditions:
Preeclampsia. Identifiers: Orphanet 275555, MedGen C0032914, MONDO:0005081, HP:0100602.

Submission:

Institute of Molecular and Cell Biology, University of Tartu
No classification provided. Condition: Preeclampsia. Review status: no classification provided. Collection method: case-control. Allele origin: unknown. Affected: yes. Study: Kasak2014.
Comment: The study aimed to determine the contribution of copy number variants in the genetic etiology of normal and complicated pregnancies. The samples represented (i) maternal blood DNA drawn from healthy pregnant women during 1st or 2nd trimester and (ii) maternal and paternal blood DNA drawn at term pregnancy cases representing normal and complicated gestations (severe preeclampsia, PE; gestational diabetes, GD; small-for-gestational age newborn, SGA; large-for-gestational age newborn, LGA). We performed CNV calling based on genome-wide genotyping dataset (Illumina HumanOmniExpress-24-v1 BeadChip) by applying three algorithms, QuantiSNP, GADA (Genome Alteration Detection Algorithm) and CNstream in parallel. The acquired CNV calls were merged with HD-CNV (Hotspot Detector for Copy Number Variants) program and only the CNVs predicted by at least two programs, were considered in subsequent analysis.

Literature cited by the submitters: PubMed 25666259.